The following is an entry in ClinVar:

NC_000005.9:g.(?_37002744)_(37046321_?)dup

Gene: NIPBL (NIPBL cohesin loading factor; plus strand). Cytogenetic location: 5p13.2.
Variant type: Duplication.
Identifiers: ClinVar variation 2427213 (VCV002427213.4).

ClinVar aggregate classification (germline): Uncertain significance (1 of 4 stars; one submission).

Conditions:
Cornelia de Lange syndrome 1 (CDLS1). Also called: Brachmann de Lange syndrome; TYPUS DEGENERATIVUS AMSTELODAMENSIS; NIPBL-Related Cornelia de Lange Syndrome. Identifiers: Orphanet 199, MedGen C4551851, MONDO:0007387, OMIM 122470.

Submission:

Labcorp Genetics (formerly Invitae), Labcorp
Classification: Uncertain significance for Cornelia de Lange syndrome 1. Last evaluated: 2022-07-01. Review status: criteria provided, single submitter. Criteria: Invitae Variant Classification Sherloc (09022015). Collection method: clinical testing. Allele origin: germline.
Comment: In summary, the available evidence is currently insufficient to determine the role of this variant in disease. Therefore, it has been classified as a Variant of Uncertain Significance. Experimental studies and prediction algorithms are not available or were not evaluated, and the functional significance of this variant is currently unknown. A similar copy number variant has been observed in individual(s) with clinical features of Cornelia de Lange syndrome (Invitae). This variant results in a copy number gain of the genomic region encompassing exon(s) 15-38 of the NIPBL gene. While the exact position of this variant cannot be determined from the data, sub-genic copy number gains are generally in tandem (PMID: 25640679). This variant is predicted to be in-frame, and likely preserves the integrity of the reading frame.

Literature cited by the submitters: PubMed 25640679.